The following is an entry in ClinVar:

NM_152703.5(SAMD9L):c.1308A>C (p.Lys436Asn)

Gene: SAMD9L (sterile alpha motif domain containing 9 like; minus strand). Cytogenetic location: 7q21.2.
Variant type: single nucleotide variant.
Coding change: c.1308A>C on transcript NM_152703.5 (MANE Select); coding-DNA position 1308, A replaced by C.
Protein change: p.Lys436Asn; replaces lysine 436 with asparagine.
Molecular consequence: missense variant.
Genome position (GRCh38, 1-based): chr7:93,134,664, T>G on the plus strand (A>C on the coding strand, the complement: SAMD9L is on the minus strand). VCF-style: chr7-93134664-T-G. GRCh37 (hg19) VCF-style: chr7-92763977-T-G.
Other names: c.1308A>C, p.Lys436Asn (NM_001303496.3, NM_001303497.3, NM_001303498.3 and 5 more transcripts); c.1308A>C (NM_152703.3, NM_152703.2); short protein forms K436N.
Identifiers: ClinVar variation 2975128 (VCV002975128.6), dbSNP rs1012308514, ClinGen allele CA161962473.

ClinVar aggregate classification (germline): Uncertain significance. Review status: criteria provided, multiple submitters, no conflicts (2 of 4 stars). 4 submissions from 4 submitters: Uncertain significance (4). Last evaluated 2026-07-16.

Conditions:
Inborn genetic diseases. Identifiers: MedGen C0950123, MeSH D030342.

Allele frequency attached by ClinVar (database versions not stated): gnomAD exomes 0.00001.
gnomAD v4.1: 5 of 1,613,918 alleles (0.00031%); highest among the groups gnomAD compares: Non-Finnish European, 0.00042%; no homozygotes.

Submissions (4):

GeneDx
Classification: Uncertain significance. Last evaluated: 2026-07-16. Review status: criteria provided, single submitter. Criteria: GeneDx Variant Classification Process June 2021. Collection method: clinical testing. Allele origin: germline.
Comment: Not observed at significant frequency in large population cohorts (gnomAD); In silico analysis suggests that this missense variant does not alter protein structure/function; Has not been previously published as pathogenic or benign to our knowledge

Ambry Genetics
Classification: Uncertain significance for Inborn genetic diseases. Last evaluated: 2025-01-08. Review status: criteria provided, single submitter. Criteria: Ambry Variant Classification Scheme 2023. Collection method: clinical testing. Allele origin: germline.
Comment: The p.K436N variant (also known as c.1308A>C), located in coding exon 1 of the SAMD9L gene, results from an A to C substitution at nucleotide position 1308. The lysine at codon 436 is replaced by asparagine, an amino acid with similar properties. This amino acid position is conserved. In addition, this alteration is predicted to be tolerated by in silico analysis. Based on the available evidence, the clinical significance of this variant remains unclear.

Labcorp Genetics (formerly Invitae), Labcorp
Classification: Uncertain significance. Last evaluated: 2024-04-16. Review status: criteria provided, single submitter. Criteria: Invitae Variant Classification Sherloc (09022015). Collection method: clinical testing. Allele origin: germline.
Comment: This sequence change replaces lysine, which is basic and polar, with asparagine, which is neutral and polar, at codon 436 of the SAMD9L protein (p.Lys436Asn). This variant is present in population databases (no rsID available, gnomAD 0.0009%). This variant has not been reported in the literature in individuals affected with SAMD9L-related conditions. Advanced modeling of protein sequence and biophysical properties (such as structural, functional, and spatial information, amino acid conservation, physicochemical variation, residue mobility, and thermodynamic stability) performed at Invitae indicates that this missense variant is not expected to disrupt SAMD9L protein function with a negative predictive value of 80%. In summary, the available evidence is currently insufficient to determine the role of this variant in disease. Therefore, it has been classified as a Variant of Uncertain Significance.

Blueprint Genetics
Classification: Uncertain significance. Last evaluated: 2022-12-30. Review status: criteria provided, single submitter. Criteria: ACMG Guidelines, 2015. Collection method: clinical testing. Allele origin: germline.